The following is an entry in ClinVar:

ClinVar aggregate classification (germline): Uncertain significance. Review status: criteria provided, multiple submitters, no conflicts (2 of 4 stars). 2 submissions from 2 submitters: Uncertain significance (2). Last evaluated 2023-03-24.

Conditions:
Immunodeficiency 67. Also called: Immunodeficiency due to interleukin-1 receptor-associated kinase-4 deficiency. Identifiers: Orphanet 70592, MedGen C1843256, MONDO:0011888, OMIM 607676.
Inborn genetic diseases. Identifiers: MedGen C0950123, MeSH D030342.

Allele frequency attached by ClinVar (database versions not stated): gnomAD exomes 0.00001 and 0.00010; gnomAD 0.00002 and 0.00003; TOPMed 0.00005; ExAC 0.00007.

Submissions (2):

Ambry Genetics
Classification: Uncertain significance for Inborn genetic diseases. Last evaluated: 2023-03-24. Review status: criteria provided, single submitter. Criteria: Ambry Variant Classification Scheme 2023. Collection method: clinical testing. Allele origin: germline.

Labcorp Genetics (formerly Invitae), Labcorp
Classification: Uncertain significance for Immunodeficiency 67. Last evaluated: 2021-08-11. Review status: criteria provided, single submitter. Criteria: Invitae Variant Classification Sherloc (09022015). Collection method: clinical testing. Allele origin: germline.
Comment: This sequence change replaces valine with alanine at codon 375 of the IRAK4 protein (p.Val375Ala). The valine residue is moderately conserved and there is a small physicochemical difference between valine and alanine. This variant is present in population databases (rs779773825, ExAC 0.09%). This variant has not been reported in the literature in individuals with IRAK4-related disease. In summary, the available evidence is currently insufficient to determine the role of this variant in disease. Therefore, it has been classified as a Variant of Uncertain Significance. Algorithms developed to predict the effect of missense changes on protein structure and function are either unavailable or do not agree on the potential impact of this missense change (SIFT: "Deleterious"; PolyPhen-2: "Probably Damaging"; Align-GVGD: "Class C0").

NM_016123.4(IRAK4):c.1124T>C (p.Val375Ala)

Gene: IRAK4 (interleukin 1 receptor associated kinase 4; plus strand). Cytogenetic location: 12q12.
Variant type: single nucleotide variant.
Coding change: c.1124T>C on transcript NM_016123.4 (MANE Select); coding-DNA position 1124, T replaced by C.
Protein change: p.Val375Ala; replaces valine 375 with alanine.
Molecular consequence: missense variant.
Genome position (GRCh38, 1-based): chr12:43,782,489, T>C. VCF-style: chr12-43782489-T-C. GRCh37 (hg19) VCF-style: chr12-44176292-T-C.
Other names: c.1124T>C (NM_016123.3); c.1124T>C, p.Val375Ala (NM_001114182.3, NM_001351345.2); c.752T>C, p.Val251Ala (NM_001145256.2, NM_001145257.2, NM_001145258.2 and 5 more transcripts); c.515T>C, p.Val172Ala (NM_001351343.2, NM_001351344.2); short protein forms V172A, V251A, V375A.
Identifiers: ClinVar variation 1058784 (VCV001058784.8), dbSNP rs779773825, ClinGen allele CA6522575.